The following is an entry in ClinVar:

NM_001367873.1(SOX6):c.1733-3C>T

Gene: SOX6 (SRY-box transcription factor 6; minus strand). Cytogenetic location: 11p15.2.
Variant type: single nucleotide variant.
Coding change: c.1733-3C>T on transcript NM_001367873.1 (MANE Select); 3 bases into the intron before coding-DNA position 1733, C replaced by T.
Molecular consequence: intron variant.
Genome position (GRCh38, 1-based): chr11:15,989,233, G>A on the plus strand (C>T on the coding strand, the complement: SOX6 is on the minus strand). VCF-style: chr11-15989233-G-A. GRCh37 (hg19) VCF-style: chr11-16010779-G-A.
Other names: c.1610-3C>T (NM_001367872.1); c.1733-63C>T (NM_033326.3); c.1652-3C>T (NM_001145811.2, NM_017508.3); c.1733-3C>T (NM_001145819.2).
Identifiers: ClinVar variation 514001 (VCV000514001.1), dbSNP rs1313026962, ClinGen allele CA597906320.

ClinVar aggregate classification (germline): Likely benign (1 of 4 stars; one submission).

Allele frequency attached by ClinVar (database versions not stated): gnomAD exomes below 0.00001; gnomAD 0.00003 and 0.00004; TOPMed 0.00006.
gnomAD v4.1: 7 of 1,592,848 alleles (0.00044%); highest among the groups gnomAD compares: African/African-American, 0.004%; no homozygotes.

Submission:

GeneDx
Classification: Likely benign. Last evaluated: 2017-12-19. Review status: criteria provided, single submitter. Criteria: GeneDx Variant Classification (06012015). Collection method: clinical testing. Allele origin: germline. Affected: yes.
Comment: This variant is considered likely benign or benign based on one or more of the following criteria: it is a conservative change, it occurs at a poorly conserved position in the protein, it is predicted to be benign by multiple in silico algorithms, and/or has population frequency not consistent with disease.